The following is an entry in ClinVar:

ClinVar aggregate classification (germline): Uncertain significance (1 of 4 stars; one submission).

Submission:

Labcorp Genetics (formerly Invitae), Labcorp
Classification: Uncertain significance. Last evaluated: 2019-11-23. Review status: criteria provided, single submitter. Criteria: Invitae Variant Classification Sherloc (09022015). Collection method: clinical testing. Allele origin: germline.
Comment: This sequence change replaces serine with threonine at codon 945 of the POLE protein (p.Ser945Thr). The serine residue is highly conserved and there is a small physicochemical difference between serine and threonine. This variant is not present in population databases (ExAC no frequency). This variant has not been reported in the literature in individuals with POLE-related conditions. Algorithms developed to predict the effect of missense changes on protein structure and function are either unavailable or do not agree on the potential impact of this missense change (SIFT: "Deleterious"; PolyPhen-2: "Probably Damaging"; Align-GVGD: "Class C0"). In summary, the available evidence is currently insufficient to determine the role of this variant in disease. Therefore, it has been classified as a Variant of Uncertain Significance.

NM_006231.4(POLE):c.2833T>A (p.Ser945Thr)

Gene: POLE (DNA polymerase epsilon, catalytic subunit; minus strand). Cytogenetic location: 12q24.33.
Variant type: single nucleotide variant.
Coding change: c.2833T>A on transcript NM_006231.4 (MANE Select); coding-DNA position 2833, T replaced by A.
Protein change: p.Ser945Thr; replaces serine 945 with threonine.
Molecular consequence: missense variant.
Genome position (GRCh38, 1-based): chr12:132,661,558, A>T on the plus strand (T>A on the coding strand, the complement: POLE is on the minus strand). VCF-style: chr12-132661558-A-T. GRCh37 (hg19) VCF-style: chr12-133238144-A-T.
Other names: short protein forms S945T.
Identifiers: ClinVar variation 862296 (VCV000862296.9), dbSNP rs2042682067, ClinGen allele CA387393640.